The following is an entry in ClinVar:

ClinVar aggregate classification (germline): Likely pathogenic (1 of 4 stars; one submission).

Conditions:
Sotos syndrome (SOTOS). Also called: CEREBRAL GIGANTISM; Sotos' syndrome; Distinctive facial appearance, overgrowth in childhood, and learning disabilities or delayed development; CHROMOSOME 5q35 DELETION SYNDROME; SOTOS SYNDROME 1. Identifiers: Orphanet 821, MedGen C0175695, MONDO:0019349, OMIM 117550.

Submission:

Institute of Human Genetics, FAU Erlangen, Friedrich-Alexander-Universität Erlangen-Nürnberg
Classification: Likely pathogenic for Sotos syndrome. Last evaluated: 2026-01-15. Review status: criteria provided, single submitter. Criteria: Hauer et al. (Genet Med. 2018). Collection method: clinical testing. Allele origin: germline. Inheritance: Unknown mechanism. Affected: yes. Observed: 1 variant allele.
Comment: This variant has been identified by standard clinical testing. Selected ACMG criteria: Likely pathogenic (I):PM2;PVS1

NM_022455.5(NSD1):c.5453dup (p.Gly1818_Asp1819insTer)

Genes: NSD1 (nuclear receptor binding SET domain protein 1; plus strand), LOC126807619 (MED14-independent group 3 enhancer GRCh37_chr5:176696443-176697642; plus strand). Cytogenetic location: 5q35.3.
Variant type: Duplication.
Coding change: c.5453dup on transcript NM_022455.5 (MANE Select); coding-DNA position 5453, one base duplicated (G; older notation c.5453dupG).
Protein change: p.Gly1818_Asp1819insTer.
Molecular consequence: frameshift variant.
Genome position (GRCh38, 1-based): chr5:177,269,751, G duplicated; the last of 3 consecutive G bases (chr5:177,269,749-177,269,751); duplicating any one gives the same sequence. VCF-style (leftmost placement, unchanged base first): chr5-177269748-A-AG. GRCh37 (hg19) VCF-style: chr5-176696749-A-AG.
Other names: c.4691dup, p.Gly1564_Asp1565insTer (NM_001409307.1, NM_001409306.1); c.4580dup, p.Gly1527_Asp1528insTer (NM_001409308.1, NM_001409309.1, NM_172349.5 and 1 more transcripts); c.5453dup, p.Gly1818_Asp1819insTer (NM_001409301.1, NM_001409302.1, NM_001409303.1); c.5033dup, p.Gly1678_Asp1679insTer (NM_001409304.1); c.4700dup, p.Gly1567_Asp1568insTer (NM_001409305.1).
Identifiers: ClinVar variation 4685477 (VCV004685477.1).